The following is an entry in ClinVar:

ClinVar aggregate classification (germline): Conflicting classifications of pathogenicity. Review status: criteria provided, conflicting classifications (1 of 4 stars). 5 submissions from 5 submitters: Uncertain significance (1); Likely benign (3). 1 of the submissions does not count toward it. Last evaluated 2025-12-18.

Conditions:
SPAG1-related disorder. Also called: SPAG1-related condition.
Primary ciliary dyskinesia 28. Also called: CILIARY DYSKINESIA, PRIMARY, 28, WITH OR WITHOUT SITUS INVERSUS. Identifiers: Orphanet 244, MedGen C3809706, MONDO:0014216, OMIM 615505.
Primary ciliary dyskinesia. Also called: Ciliary dyskinesia. Identifiers: Orphanet 244, MedGen C0008780, MONDO:0016575, HP:0012265.

Allele frequency attached by ClinVar (database versions not stated): gnomAD 0.00233 and 0.00250; TOPMed 0.00254; 1000 Genomes Project 0.00419; 1000 Genomes Project 30x 0.00515.
gnomAD v4.1: 559 of 1,400,556 alleles (0.04%); highest among the groups gnomAD compares: African/African-American, 0.72%; 2 homozygotes.

Submissions (5):

Labcorp Genetics (formerly Invitae), Labcorp
Classification: Likely benign for Primary ciliary dyskinesia 28. Last evaluated: 2025-12-18. Review status: criteria provided, single submitter. Criteria: Invitae Variant Classification Sherloc (09022015). Collection method: clinical testing. Allele origin: germline.

Blueprint Genetics
Classification: Likely benign. Last evaluated: 2024-05-28. Review status: criteria provided, single submitter. Criteria: ACMG Guidelines, 2015. Collection method: clinical testing. Allele origin: germline.

ARUP Laboratories, Molecular Genetics and Genomics, ARUP Laboratories
Classification: Uncertain significance for Primary ciliary dyskinesia 28. Last evaluated: 2022-03-09. Review status: criteria provided, single submitter. Criteria: ARUP Molecular Germline Variant Investigation Process 2021. Collection method: clinical testing. Allele origin: germline.
Comment: The SPAG1 c.1226C>G, p.Thr409Ser variant (rs544372581), to our knowledge, is not reported in the medical literature but is reported in ClinVar (Variation ID: 410994). This variant is found in the African/African-American population with an allele frequency of 0.66% (59/8966 alleles) in the Genome Aggregation Database. The threonine at codon 409 is weakly conserved, and computational analyses predict that this variant is neutral (REVEL: 0.057). Due to limited information, the clinical significance of this variant is uncertain at this time.

Ambry Genetics
Classification: Likely benign for Primary ciliary dyskinesia. Last evaluated: 2017-09-28. Review status: criteria provided, single submitter. Criteria: Ambry Variant Classification Scheme 2023. Collection method: clinical testing. Allele origin: germline.

PreventionGenetics, part of Exact Sciences
Classification: Likely benign for SPAG1-related condition. Last evaluated: 2019-06-17. Review status: no assertion criteria provided. Collection method: clinical testing. Allele origin: germline. Not counted in ClinVar's aggregate classification.
Comment: This variant is classified as likely benign based on ACMG/AMP sequence variant interpretation guidelines (Richards et al. 2015 PMID: 25741868, with internal and published modifications).

NM_003114.5(SPAG1):c.1226C>G (p.Thr409Ser)

Genes: SPAG1 (sperm associated antigen 1; plus strand), LOC130000832 (ATAC-STARR-seq lymphoblastoid silent region 19412; plus strand). Cytogenetic location: 8q22.2.
Variant type: single nucleotide variant.
Coding change: c.1226C>G on transcript NM_003114.5 (MANE Select); coding-DNA position 1226, C replaced by G.
Protein change: p.Thr409Ser; replaces threonine 409 with serine.
Molecular consequence: missense variant.
Genome position (GRCh38, 1-based): chr8:100,213,219, C>G. VCF-style: chr8-100213219-C-G. GRCh37 (hg19) VCF-style: chr8-101225447-C-G.
Other names: c.1226C>G, p.Thr409Ser (NM_001374321.1, NM_172218.3); short protein forms T409S.
Identifiers: ClinVar variation 410994 (VCV000410994.27), dbSNP rs544372581, ClinGen allele CA4827471.